The following is an entry in ClinVar:

ClinVar aggregate classification (germline): Uncertain significance. Review status: criteria provided, multiple submitters, no conflicts (2 of 4 stars). 4 submissions from 4 submitters: Uncertain significance (4). Last evaluated 2024-12-02.

Conditions:
Pheochromocytoma. Also called: MAX-Related Hereditary Paraganglioma-Pheochromocytoma Syndrome. Identifiers: Orphanet 29072, MedGen C0031511, MONDO:0008233, OMIM 171300, HP:0002666.
Hirschsprung disease, susceptibility to, 1 (HSCR1). Also called: RET-Related Hirschsprung Disease. Identifiers: Orphanet 388, MedGen C3888239, MONDO:0007723, OMIM 142623.
Familial medullary thyroid carcinoma (MTC). Also called: Thyroid cancer, familial medullary; MTC, familial; Familial Medullary Thyroid Carcinoma (FMTC). Identifiers: Orphanet 653, Orphanet 99361, MedGen C1833921, MONDO:0007958, OMIM 155240.
Multiple endocrine neoplasia type 2B. Also called: WAGENMANN-FROBOESE SYNDROME; MULTIPLE ENDOCRINE NEOPLASIA, TYPE III; MEN 2B; MUCOSAL NEUROMA SYNDROME; MULTIPLE ENDOCRINE NEOPLASIA, TYPE IIB; MEN IIB. Identifiers: Orphanet 247709, Orphanet 653, MedGen C0025269, MeSH D018814, MONDO:0008082, OMIM 162300.
Multiple endocrine neoplasia type 2A. Also called: MULTIPLE ENDOCRINE NEOPLASIA, TYPE IIA; PTC SYNDROME; SIPPLE SYNDROME; MEN 2A; MEN-2A syndrome; Pheochromocytoma and amyloid producing medullary thyroid carcinoma. Identifiers: Orphanet 247698, Orphanet 653, MedGen C0025268, MeSH D018813, MONDO:0008234, OMIM 171400.
Hereditary cancer-predisposing syndrome. Also called: Tumor predisposition; Hereditary neoplastic syndrome; Neoplastic Syndromes, Hereditary; Hereditary Cancer Syndrome. Identifiers: Orphanet 140162, MedGen C0027672, MeSH D009386, MONDO:0015356.
Multiple endocrine neoplasia, type 2 (MEN2). Identifiers: Orphanet 653, MedGen C4048306, MONDO:0019003. Disease mechanism: gain of function.

Allele frequency attached by ClinVar (database versions not stated): gnomAD 0.00001; gnomAD exomes 0.00001; ExAC 0.00002; 1000 Genomes Project 30x 0.00016; 1000 Genomes Project 0.00020.
gnomAD v4.1: 2 of 1,612,618 alleles (0.00012%); highest among the groups gnomAD compares: East Asian, 0.0045%; no homozygotes.

Submissions (4):

Labcorp Genetics (formerly Invitae), Labcorp
Classification: Uncertain significance for Multiple endocrine neoplasia, type 2. Last evaluated: 2024-12-02. Review status: criteria provided, single submitter. Criteria: Invitae Variant Classification Sherloc (09022015). Collection method: clinical testing. Allele origin: germline.
Comment: This sequence change replaces histidine, which is basic and polar, with leucine, which is neutral and non-polar, at codon 745 of the RET protein (p.His745Leu). This variant is present in population databases (rs534094626, gnomAD 0.01%). This variant has not been reported in the literature in individuals affected with RET-related conditions. ClinVar contains an entry for this variant (Variation ID: 201139). An algorithm developed to predict the effect of missense changes on protein structure and function (PolyPhen-2) suggests that this variant¬†is likely to be tolerated. In summary, the available evidence is currently insufficient to determine the role of this variant in disease. Therefore, it has been classified as a Variant of Uncertain Significance.

Fulgent Genetics
Classification: Uncertain significance for Hirschsprung disease, susceptibility to, 1; Familial medullary thyroid carcinoma; Multiple endocrine neoplasia type 2B; Pheochromocytoma; Multiple endocrine neoplasia type 2A. Last evaluated: 2021-12-27. Review status: criteria provided, single submitter. Criteria: ACMG Guidelines, 2015. Collection method: clinical testing. Allele origin: unknown.

Ambry Genetics
Classification: Uncertain significance for Hereditary cancer-predisposing syndrome. Last evaluated: 2019-06-24. Review status: criteria provided, single submitter. Criteria: Ambry Variant Classification Scheme 2023. Collection method: clinical testing. Allele origin: germline.
Comment: The p.H745L variant (also known as c.2234A>T), located in coding exon 12 of the RET gene, results from an A to T substitution at nucleotide position 2234. The histidine at codon 745 is replaced by leucine, an amino acid with similar properties. This amino acid position is poorly conserved in available vertebrate species. In addition, the in silico prediction for this alteration is inconclusive. Since supporting evidence is limited at this time, the clinical significance of this alteration remains unclear.

Mendelics
Classification: Uncertain significance for Multiple endocrine neoplasia, type 2a. Last evaluated: 2018-07-02. Review status: criteria provided, single submitter. Criteria: Mendelics Assertion Criteria 2017. Collection method: clinical testing. Allele origin: unknown.

NM_020975.6(RET):c.2234A>T (p.His745Leu)

Gene: RET (ret proto-oncogene; plus strand). Cytogenetic location: 10q11.21.
Variant type: single nucleotide variant.
Coding change: c.2234A>T on transcript NM_020975.6 (MANE Select); coding-DNA position 2234, A replaced by T.
Protein change: p.His745Leu; replaces histidine 745 with leucine.
Molecular consequence: missense variant.
Genome position (GRCh38, 1-based): chr10:43,116,681, A>T. VCF-style: chr10-43116681-A-T. GRCh37 (hg19) VCF-style: chr10-43612129-A-T.
Other names: c.1970A>T, p.His657Leu (NM_001406768.1); c.1838A>T, p.His613Leu (NM_001406769.1, NM_001406772.1); c.1946A>T, p.His649Leu (NM_001406770.1, NM_001406766.1, NM_001406767.1); c.1796A>T, p.His599Leu (NM_001406771.1, NM_001406773.1); c.1709A>T, p.His570Leu (NM_001406774.1); c.1508A>T, p.His503Leu (NM_001406775.1, NM_001406776.1, NM_001406777.1 and 1 more transcripts); c.2234A>T, p.His745Leu (NM_000323.2, NM_001406743.1, NM_001406744.1 and 4 more transcripts); c.1472A>T, p.His491Leu (NM_001355216.2); and 10 more; short protein forms H745L, H491L, H262L, H401L, H406L, H310L, H350L, H649L.
Identifiers: ClinVar variation 201139 (VCV000201139.9), dbSNP rs534094626, ClinGen allele CA008609.
Genomic context (GRCh38, chr10:43,116,681, plus strand): 5'-TTCTTGGAAAAACTCTAGGAGAAGGCGAATTTGGAAAAGTGGTCAAGGCAACGGCCTTCC[A>T]TCTGAAAGGCAGAGCAGGGTACACCACGGTGGCCGTGAAGATGCTGAAAGGTACCTGCCA-3'
Protein context (NP_066124.1, residues 735-755): FGKVVKATAF[His745Leu]LKGRAGYTTV